The following is an entry in ClinVar:

NM_003640.5(ELP1):c.2108A>G (p.Gln703Arg)

Gene: ELP1 (elongator acetyltransferase complex subunit 1; minus strand). Cytogenetic location: 9q31.3.
Variant type: single nucleotide variant.
Coding change: c.2108A>G on transcript NM_003640.5 (MANE Select); coding-DNA position 2108, A replaced by G.
Protein change: p.Gln703Arg; replaces glutamine 703 with arginine.
Molecular consequence: missense variant.
Genome position (GRCh38, 1-based): chr9:108,900,282, T>C on the plus strand (A>G on the coding strand, the complement: ELP1 is on the minus strand). VCF-style: chr9-108900282-T-C. GRCh37 (hg19) VCF-style: chr9-111662562-T-C.
Other names: c.1766A>G, p.Gln589Arg (NM_001318360.2); c.1061A>G, p.Gln354Arg (NM_001330749.2); short protein forms Q589R, Q354R, Q703R.
Identifiers: ClinVar variation 2304856 (VCV002304856.3), dbSNP rs1394398830, ClinGen allele CA374423388.

ClinVar aggregate classification (germline): Uncertain significance. Review status: criteria provided, multiple submitters, no conflicts (2 of 4 stars). 2 submissions from 2 submitters: Uncertain significance (2). Last evaluated 2026-04-15.

Allele frequency attached by ClinVar (database versions not stated): gnomAD 0.00001; TOPMed 0.00001; gnomAD exomes below 0.00001.

Submissions (2):

GeneDx
Classification: Uncertain significance. Last evaluated: 2026-04-15. Review status: criteria provided, single submitter. Criteria: GeneDx Variant Classification Process June 2021. Collection method: clinical testing. Allele origin: germline.
Comment: Not observed at significant frequency in large population cohorts (gnomAD); In silico analysis suggests that this missense variant does not alter protein structure/function; Has not been previously published as pathogenic or benign to our knowledge

Ambry Genetics
Classification: Uncertain significance. Last evaluated: 2022-09-26. Review status: criteria provided, single submitter. Criteria: Ambry Variant Classification Scheme 2023. Collection method: clinical testing. Allele origin: germline.